The following is an entry in ClinVar:

ClinVar aggregate classification (germline): Likely benign. Review status: criteria provided, multiple submitters, no conflicts (2 of 4 stars). 2 submissions from 2 submitters: Likely benign (2). Last evaluated 2018-06-14.

Allele frequency attached by ClinVar (database versions not stated): gnomAD exomes 0.02879; gnomAD 0.03424 and 0.04035; TOPMed 0.04231; 1000 Genomes Project 30x 0.09994; 1000 Genomes Project 0.10403.
gnomAD v4.1: 44,631 of 1,469,062 alleles (3%); highest among the groups gnomAD compares: East Asian, 16%; 2,042 homozygotes.

Submissions (2):

GeneDx
Classification: Likely benign. Last evaluated: 2018-06-14. Review status: criteria provided, single submitter. Criteria: GeneDx Variant Classification (06012015). Collection method: clinical testing. Allele origin: germline. Affected: yes.
Comment: This variant is considered likely benign or benign based on one or more of the following criteria: it is a conservative change, it occurs at a poorly conserved position in the protein, it is predicted to be benign by multiple in silico algorithms, and/or has population frequency not consistent with disease.

Breakthrough Genomics
Classification: Likely benign. Review status: criteria provided, single submitter. Criteria: ACMG Guidelines, 2015. Collection method: not provided. Allele origin: germline. Inheritance: Autosomal recessive inheritance. Affected: yes.

NM_012233.3(RAB3GAP1):c.1924-93T>C

Gene: RAB3GAP1 (RAB3 GTPase activating protein catalytic subunit 1; plus strand). Cytogenetic location: 2q21.3.
Variant type: single nucleotide variant.
Coding change: c.1924-93T>C on transcript NM_012233.3 (MANE Select); 93 bases into the intron before coding-DNA position 1924, T replaced by C.
Molecular consequence: intron variant.
Genome position (GRCh38, 1-based): chr2:135,150,276, T>C. VCF-style: chr2-135150276-T-C. GRCh37 (hg19) VCF-style: chr2-135907846-T-C.
Other names: c.1924-93T>C (NM_001172435.2).
Identifiers: ClinVar variation 668610 (VCV000668610.2), dbSNP rs3739028, ClinGen allele CA15194226.
Genomic context (GRCh38, chr2:135,150,276, plus strand): 5'-AGTTCTAAAAAACTTATGCATTTCTCTGAATTTTTAAAAATACTCATCTTGTGACTGCTA[T>C]AGCTGAAATGACTGTTGTCTTTATTCTATTTTTATGGTACTTCTTTTTCTAAAAAGGGCT-3'